The following is an entry in ClinVar:

NM_006922.4(SCN3A):c.4520C>G (p.Pro1507Arg)

Gene: SCN3A (sodium voltage-gated channel alpha subunit 3; minus strand). Cytogenetic location: 2q24.3.
Variant type: single nucleotide variant.
Coding change: c.4520C>G on transcript NM_006922.4 (MANE Select); coding-DNA position 4520, C replaced by G.
Protein change: p.Pro1507Arg; replaces proline 1507 with arginine.
Molecular consequence: missense variant.
Genome position (GRCh38, 1-based): chr2:165,094,390, G>C on the plus strand (C>G on the coding strand, the complement: SCN3A is on the minus strand). VCF-style: chr2-165094390-G-C. GRCh37 (hg19) VCF-style: chr2-165950900-G-C.
Other names: c.4373C>G, p.Pro1458Arg (NM_001081676.2, NM_001081677.2); short protein forms P1458R, P1507R.
Identifiers: ClinVar variation 3392663 (VCV003392663.1).
Genomic context (GRCh38, chr2:165,094,390, plus strand): 5'-GGACGCATGGCTTTGGAACATTAAAGGAGACAAGTAATTCTTACTGCTGGGCGAGGTATG[G>C]GTTTCTGAGGTTTCTTGGATCCAAGTTTCTTCATTGCATTGTAATATTTTTTCTGTTCCT-3'
Protein context (NP_008853.3, residues 1497-1517): KKLGSKKPQK[Pro1507Arg]IPRPANKFQG

ClinVar aggregate classification (germline): Uncertain significance (1 of 4 stars; one submission).

Submission:

GeneDx
Classification: Uncertain significance. Last evaluated: 2024-06-16. Review status: criteria provided, single submitter. Criteria: GeneDx Variant Classification Process June 2021. Collection method: clinical testing. Allele origin: germline. Affected: yes.
Comment: Not observed at significant frequency in large population cohorts (gnomAD); In silico analysis supports that this missense variant has a deleterious effect on protein structure/function; Has not been previously published as pathogenic or benign to our knowledge